The following is an entry in ClinVar:

NM_001379228.1(MRAP):c.285G>A (p.Pro95=)

Genes: MRAP (melanocortin 2 receptor accessory protein; plus strand), URB1 (URB1 ribosome biogenesis factor; minus strand). Cytogenetic location: 21q22.11.
Variant type: single nucleotide variant.
Coding change: c.285G>A on transcript NM_001379228.1 (MANE Select); coding-DNA position 285, G replaced by A.
Protein change: p.Pro95=; no amino-acid change (proline 95 retained).
Molecular consequence: synonymous variant. On other transcripts: 3 prime UTR variant (1), intron variant (1).
Genome position (GRCh38, 1-based): chr21:32,311,762, G>A. VCF-style: chr21-32311762-G-A. GRCh37 (hg19) VCF-style: chr21-33684073-G-A.
Other names: c.108G>A, p.Pro36= (NM_001285394.2); c.285G>A, p.Pro95= (NM_178817.4); c.*3156C>T (NM_014825.3); c.207-2789G>A (NM_206898.2); c.285G>A (NM_178817.3).
Identifiers: ClinVar variation 2652592 (VCV002652592.25), dbSNP rs779122471, ClinGen allele CA10001024.
Genomic context (GRCh38, chr21:32,311,762, plus strand): 5'-CCAAACATGCCCCTGGAGTCACGGCCTCAACCTCCACCTCTGCATCCAGAAGTGCCTGCC[G>A]TGCCACAGGGAACCCCTGGCAACCTCACAGGCTCAGGCGAGCTCAGTGGAGCCAGGGAGC-3'
Protein context (NP_001366157.1, residues 85-105): NLHLCIQKCL[Pro95=]CHREPLATSQ

ClinVar aggregate classification (germline): Likely benign. Review status: criteria provided, multiple submitters, no conflicts (2 of 4 stars). 2 submissions from 2 submitters: Likely benign (2). Last evaluated 2026-07-05.

Conditions:
MRAP-related disorder. Also called: MRAP-related condition.

gnomAD v4.1: 28 of 1,614,012 alleles (0.0017%); highest among the groups gnomAD compares: East Asian, 0.0067%; no homozygotes.

Submissions (2):

PreventionGenetics, part of Exact Sciences
Classification: Likely benign for MRAP-related condition. Last evaluated: 2026-07-05. Review status: criteria provided, single submitter. Criteria: ACMG Guidelines, 2015. Collection method: clinical testing. Allele origin: germline.
Comment: This variant is classified as likely benign based on ACMG/AMP sequence variant interpretation guidelines (Richards et al. 2015 PMID: 25741868, with internal and published modifications).

CeGaT Center for Human Genetics Tuebingen
Classification: Likely benign. Last evaluated: 2023-01-01. Review status: criteria provided, single submitter. Criteria: CeGaT Center For Human Genetics Tuebingen Variant Classification Criteria Version 2. Collection method: clinical testing. Allele origin: germline. Affected: yes. Observed: 1 variant allele.
Comment: MRAP: BP4, BP7